The following is an entry in ClinVar:

ClinVar aggregate classification (germline): Uncertain significance. Review status: criteria provided, multiple submitters, no conflicts (2 of 4 stars). 2 submissions from 2 submitters: Uncertain significance (2). Last evaluated 2025-06-18.

Conditions:
Hereditary cancer-predisposing syndrome. Also called: Tumor predisposition; Hereditary neoplastic syndrome; Neoplastic Syndromes, Hereditary; Hereditary Cancer Syndrome. Identifiers: Orphanet 140162, MedGen C0027672, MeSH D009386, MONDO:0015356.

gnomAD v4.1: 11 of 1,613,966 alleles (0.00068%); highest among the groups gnomAD compares: Non-Finnish European, 0.00093%; no homozygotes.

Submissions (2):

Ambry Genetics
Classification: Uncertain significance for Hereditary cancer-predisposing syndrome. Last evaluated: 2025-06-18. Review status: criteria provided, single submitter. Criteria: Ambry Variant Classification Scheme 2023. Collection method: clinical testing. Allele origin: germline.

Labcorp Genetics (formerly Invitae), Labcorp
Classification: Uncertain significance for Hereditary cancer-predisposing syndrome. Last evaluated: 2022-03-06. Review status: criteria provided, single submitter. Criteria: Invitae Variant Classification Sherloc (09022015). Collection method: clinical testing. Allele origin: germline.
Comment: This sequence change replaces glutamine, which is neutral and polar, with histidine, which is basic and polar, at codon 527 of the RAD50 protein (p.Gln527His). In summary, the available evidence is currently insufficient to determine the role of this variant in disease. Therefore, it has been classified as a Variant of Uncertain Significance. Algorithms developed to predict the effect of missense changes on protein structure and function are either unavailable or do not agree on the potential impact of this missense change (SIFT: "Tolerated"; PolyPhen-2: "Possibly Damaging"; Align-GVGD: "Class C0"). ClinVar contains an entry for this variant (Variation ID: 847786). This variant has not been reported in the literature in individuals affected with RAD50-related conditions. This variant is not present in population databases (gnomAD no frequency).

NM_005732.4(RAD50):c.1581G>T (p.Gln527His)

Gene: RAD50 (RAD50 double strand break repair protein; plus strand). Cytogenetic location: 5q31.1.
Variant type: single nucleotide variant.
Coding change: c.1581G>T on transcript NM_005732.4 (MANE Select); coding-DNA position 1581, G replaced by T.
Protein change: p.Gln527His; replaces glutamine 527 with histidine.
Molecular consequence: missense variant.
Genome position (GRCh38, 1-based): chr5:132,591,352, G>T. VCF-style: chr5-132591352-G-T. GRCh37 (hg19) VCF-style: chr5-131927044-G-T.
Other names: short protein forms Q527H.
Identifiers: ClinVar variation 847786 (VCV000847786.12), dbSNP rs777349391, ClinGen allele CA360946000.
Genomic context (GRCh38, chr5:132,591,352, plus strand): 5'-CCAAAATGAAAAAGCAGACTTAGACAGGACCCTGCGTAAACTTGACCAGGAGATGGAGCA[G>T]TTAAACCATCATACAACAACACGTACCCAAATGGAGATGCTGACCAAAGACAAAGTATGA-3'
Protein context (NP_005723.2, residues 517-537): TLRKLDQEME[Gln527His]LNHHTTTRTQ